The following is an entry in ClinVar:

ClinVar aggregate classification (germline): Pathogenic (1 of 4 stars; one submission).

Conditions:
Familial hypobetalipoproteinemia 1. Also called: APOB-Related Familial Hypobetalipoproteinemia; Hypobetalipoproteinemia, normotriglyceridemic; Acanthocytosis with hypobetalipoproteinemia. Identifiers: MedGen C4551990, MONDO:0014252, OMIM 615558.

Submission:

Women's Health and Genetics/Laboratory Corporation of America, LabCorp
Classification: Pathogenic for Familial hypobetalipoproteinemia 1. Last evaluated: 2025-04-22. Review status: criteria provided, single submitter. Criteria: LabCorp Variant Classification Summary - May 2015. Collection method: clinical testing. Allele origin: germline.
Comment: Variant summary: APOB c.1260delG (p.Glu420AspfsX26) results in a premature termination codon, predicted to cause a truncation of the encoded protein or absence of the protein due to nonsense mediated decay, which are commonly known mechanisms for disease. The variant was absent in 251334 control chromosomes. To our knowledge, no occurrence of c.1260delG in individuals affected with Familial Hypobetalipoproteinemia 1 Dominant and no experimental evidence demonstrating its impact on protein function have been reported. ClinVar contains an entry for this variant (Variation ID: 2506190). Based on the evidence outlined above, the variant was classified as pathogenic.

NM_000384.3(APOB):c.1260del (p.Glu420fs)

Gene: APOB (apolipoprotein B; minus strand). Cytogenetic location: 2p24.1.
Variant type: Deletion.
Coding change: c.1260del on transcript NM_000384.3 (MANE Select); coding-DNA position 1260, one base deleted (G; older notation c.1260delG).
Protein change: p.Glu420fs; shifts the reading frame from glutamic acid 420.
Molecular consequence: frameshift variant.
Genome position (GRCh38, 1-based): chr2:21,032,446, C deleted on the plus strand (G on the coding strand, the reverse complement: APOB is on the minus strand). VCF-style (leftmost placement, unchanged base first): chr2-21032445-GC-G. GRCh37 (hg19) VCF-style: chr2-21255317-GC-G.
Other names: c.1260delG (NM_000384.3); short protein forms E420fs.
Identifiers: ClinVar variation 2506190 (VCV002506190.3), dbSNP rs2465432680, ClinGen allele CA2580611598.